The following is an entry in ClinVar:

NM_002249.6(KCNN3):c.986T>C (p.Ile329Thr)

Gene: KCNN3 (potassium calcium-activated channel subfamily N member 3; minus strand). Cytogenetic location: 1q21.3.
Variant type: single nucleotide variant.
Coding change: c.986T>C on transcript NM_002249.6 (MANE Select); coding-DNA position 986, T replaced by C.
Protein change: p.Ile329Thr; replaces isoleucine 329 with threonine.
Molecular consequence: missense variant.
Genome position (GRCh38, 1-based): chr1:154,822,132, A>G on the plus strand (T>C on the coding strand, the complement: KCNN3 is on the minus strand). VCF-style: chr1-154822132-A-G. GRCh37 (hg19) VCF-style: chr1-154794608-A-G.
Other names: c.986T>C, p.Ile329Thr (NM_001204087.2); c.47T>C, p.Ile16Thr (NM_001365837.1, NM_001365838.1); c.71T>C, p.Ile24Thr (NM_170782.3); short protein forms I16T, I24T, I329T.
Identifiers: ClinVar variation 5019258 (VCV005019258.2).
Genomic context (GRCh38, chr1:154,822,132, plus strand): 5'-GAGGTGGGGGCACCTACCTGGACTTCACGTGTGTGGTAGGCGATGATCAAGCCCAAAAGG[A>G]TGATGGTGGACAGACTGATAAGGCATTTCAGGGCCAACGAAAACATGGAGTCCTGCAGGA-3'
Protein context (NP_002240.3, residues 319-339): LKCLISLSTI[Ile329Thr]LLGLIIAYHT

ClinVar aggregate classification (germline): Uncertain significance (1 of 4 stars; one submission).

Conditions:
Zimmermann-Laband syndrome 3. Identifiers: MedGen C5231447, MONDO:0032854, OMIM 618658.

Submission:

Juno Genomics, Hangzhou Juno Genomics, Inc
Classification: Uncertain significance for Zimmermann-Laband syndrome 3. Review status: criteria provided, single submitter. Criteria: ACMG Guidelines, 2015. Collection method: clinical testing. Allele origin: germline.
Comment: Absent from controls (or at extremely low frequency if recessive) in Genome Aggregation Database.;Multiple lines of computational evidence support a deleterious effect on the gene or gene product.;Missense variant in a gene that has a low rate of benign missense variation.